The following is an entry in ClinVar:

NM_005121.3(MED13):c.5259A>G (p.Arg1753=)

Gene: MED13 (mediator complex subunit 13; minus strand). Cytogenetic location: 17q23.2.
Variant type: single nucleotide variant.
Coding change: c.5259A>G on transcript NM_005121.3 (MANE Select); coding-DNA position 5259, A replaced by G.
Protein change: p.Arg1753=; no amino-acid change (arginine 1753 retained).
Molecular consequence: synonymous variant.
Genome position (GRCh38, 1-based): chr17:61,961,088, T>C on the plus strand (A>G on the coding strand, the complement: MED13 is on the minus strand). VCF-style: chr17-61961088-T-C. GRCh37 (hg19) VCF-style: chr17-60038449-T-C.
Identifiers: ClinVar variation 710115 (VCV000710115.28), dbSNP rs78161598, ClinGen allele CA8692193.

ClinVar aggregate classification (germline): Benign/Likely benign. Review status: criteria provided, multiple submitters, no conflicts (2 of 4 stars). 2 submissions from 2 submitters: Benign (1); Likely benign (1). Last evaluated 2026-09-01.

Allele frequency attached by ClinVar (database versions not stated): gnomAD exomes 0.00034 and 0.00089; ExAC 0.00118; 1000 Genomes Project 0.00280; 1000 Genomes Project 30x 0.00344; ESP Exome Variant Server 0.00358; gnomAD 0.00376 and 0.00400; TOPMed 0.00411.
gnomAD v4.1: 1,102 of 1,608,980 alleles (0.068%); highest among the groups gnomAD compares: African/African-American, 1.2%; 7 homozygotes.

Submissions (2):

CeGaT Center for Human Genetics Tuebingen
Classification: Likely benign. Last evaluated: 2026-09-01. Review status: criteria provided, single submitter. Criteria: CeGaT Center For Human Genetics Tuebingen Variant Classification Criteria Version 2. Collection method: clinical testing. Allele origin: germline. Affected: yes. Observed: 2 variant alleles.
Comment: MED13: BP4, BS1

Labcorp Genetics (formerly Invitae), Labcorp
Classification: Benign. Last evaluated: 2019-12-31. Review status: criteria provided, single submitter. Criteria: Invitae Variant Classification Sherloc (09022015). Collection method: clinical testing. Allele origin: germline.